The following is an entry in ClinVar:

NM_004655.4(AXIN2):c.1920A>C (p.Thr640=)

Gene: AXIN2 (axin 2; minus strand). Cytogenetic location: 17q24.1.
Variant type: single nucleotide variant.
Coding change: c.1920A>C on transcript NM_004655.4 (MANE Select); coding-DNA position 1920, A replaced by C.
Protein change: p.Thr640=; no amino-acid change (threonine 640 retained).
Molecular consequence: synonymous variant.
Genome position (GRCh38, 1-based): chr17:65,536,541, T>G on the plus strand (A>C on the coding strand, the complement: AXIN2 is on the minus strand). VCF-style: chr17-65536541-T-G. GRCh37 (hg19) VCF-style: chr17-63532659-T-G.
Other names: c.1725A>C, p.Thr575= (NM_001363813.1).
Identifiers: ClinVar variation 3379069 (VCV003379069.2).

ClinVar aggregate classification (germline): Benign/Likely benign. Review status: criteria provided, multiple submitters, no conflicts (2 of 4 stars). 2 submissions from 2 submitters: Benign (1); Likely benign (1). Last evaluated 2025-12-26.

Conditions:
Oligodontia-cancer predisposition syndrome. Also called: TOOTH AGENESIS-COLORECTAL CANCER SYNDROME. Identifiers: Orphanet 300576, MedGen C1837750, MONDO:0012075, OMIM 608615. Disease mechanism: loss of function.
Hereditary cancer-predisposing syndrome. Also called: Hereditary neoplastic syndrome; Tumor predisposition; Neoplastic Syndromes, Hereditary; Hereditary Cancer Syndrome. Identifiers: Orphanet 140162, MedGen C0027672, MeSH D009386, MONDO:0015356.

Submissions (2):

Ambry Genetics
Classification: Likely benign for Hereditary cancer-predisposing syndrome. Last evaluated: 2025-12-26. Review status: criteria provided, single submitter. Criteria: Ambry Variant Classification Scheme 2023. Collection method: clinical testing. Allele origin: germline.

Myriad Genetics, Inc.
Classification: Benign for Oligodontia-cancer predisposition syndrome. Last evaluated: 2024-07-09. Review status: criteria provided, single submitter. Criteria: Myriad Autosomal Dominant, Autosomal Recessive and X-Linked Classification Criteria (2023). Collection method: clinical testing. Allele origin: unknown.
Comment: This variant is considered benign. This variant is a silent/synonymous amino acid change and it is not expected to impact splicing.